The following is an entry in ClinVar:

ClinVar aggregate classification (germline): Uncertain significance (1 of 4 stars; one submission).

Conditions:
Inborn genetic diseases. Identifiers: MedGen C0950123, MeSH D030342.

gnomAD v4.1: 5 of 1,613,428 alleles (0.00031%); highest among the groups gnomAD compares: East Asian, 0.0067%; no homozygotes.

Submission:

Ambry Genetics
Classification: Uncertain significance for Inborn genetic diseases. Last evaluated: 2025-02-27. Review status: criteria provided, single submitter. Criteria: Ambry Variant Classification Scheme 2023. Collection method: clinical testing. Allele origin: germline.
Comment: The p.L1390M variant (also known as c.4168C>A), located in coding exon 1 of the SAMD9L gene, results from a C to A substitution at nucleotide position 4168. The leucine at codon 1390 is replaced by methionine, an amino acid with highly similar properties. This amino acid position is conserved. In addition, this alteration is predicted to be tolerated by in silico analysis. Based on the available evidence, the clinical significance of this variant remains unclear.

NM_152703.5(SAMD9L):c.4168C>A (p.Leu1390Met)

Gene: SAMD9L (sterile alpha motif domain containing 9 like; minus strand). Cytogenetic location: 7q21.2.
Variant type: single nucleotide variant.
Coding change: c.4168C>A on transcript NM_152703.5 (MANE Select); coding-DNA position 4168, C replaced by A.
Protein change: p.Leu1390Met; replaces leucine 1390 with methionine.
Molecular consequence: missense variant.
Genome position (GRCh38, 1-based): chr7:93,131,804, G>T on the plus strand (C>A on the coding strand, the complement: SAMD9L is on the minus strand). VCF-style: chr7-93131804-G-T. GRCh37 (hg19) VCF-style: chr7-92761117-G-T.
Other names: c.4168C>A, p.Leu1390Met (NM_001303496.3, NM_001303497.3, NM_001303498.3 and 5 more transcripts); short protein forms L1390M.
Identifiers: ClinVar variation 3792458 (VCV003792458.1).